The following is an entry in ClinVar:

NM_004187.5(KDM5C):c.3475G>T (p.Glu1159Ter)

Gene: KDM5C (lysine demethylase 5C; minus strand). Cytogenetic location: Xp11.22.
Variant type: single nucleotide variant.
Coding change: c.3475G>T on transcript NM_004187.5 (MANE Select); coding-DNA position 3475, G replaced by T.
Protein change: p.Glu1159Ter; replaces glutamic acid 1159 with a stop codon.
Molecular consequence: nonsense. On other transcripts: non-coding transcript variant (3).
Genome position (GRCh38, 1-based): chrX:53,194,702, C>A on the plus strand (G>T on the coding strand, the complement: KDM5C is on the minus strand). VCF-style: chrX-53194702-C-A. GRCh37 (hg19) VCF-style: chrX-53223884-C-A.
Other names: c.3274G>T, p.Glu1092Ter (NM_001146702.2); c.3472G>T, p.Glu1158Ter (NM_001282622.3, NM_001353979.2, NM_001353982.2); c.3475G>T, p.Glu1159Ter (NM_001353978.3, NM_001353981.2, NM_001353984.2); short protein forms E1092*, E1159*, E1158*.
Identifiers: ClinVar variation 5000207 (VCV005000207.1).

ClinVar aggregate classification (germline): Likely pathogenic (1 of 4 stars; one submission).

Conditions:
KDM5C-related disorder. Also called: KDM5C-related condition.

Submission:

PreventionGenetics, part of Exact Sciences
Classification: Likely pathogenic for KDM5C-related condition. Last evaluated: 2024-10-14. Review status: criteria provided, single submitter. Criteria: ACMG Guidelines, 2015. Collection method: clinical testing. Allele origin: germline.
Comment: The KDM5C c.3475G>T variant is predicted to result in premature protein termination (p.Glu1159*). To our knowledge, this variant has not been reported in the literature or in a large population database (gnomAD), indicating this variant is rare. Nonsense variants in KDM5C are expected to be pathogenic. This variant is interpreted as likely pathogenic.